The following is an entry in ClinVar:

ClinVar aggregate classification (germline): Uncertain significance (1 of 4 stars; one submission).

Submission:

GeneDx
Classification: Uncertain significance. Last evaluated: 2024-11-03. Review status: criteria provided, single submitter. Criteria: GeneDx Variant Classification Process June 2021. Collection method: clinical testing. Allele origin: germline. Affected: yes.
Comment: Not observed at significant frequency in large population cohorts (gnomAD); In silico analysis supports that this missense variant has a deleterious effect on protein structure/function; Has not been previously published as pathogenic or benign to our knowledge

NM_020822.3(KCNT1):c.820C>T (p.Leu274Phe)

Gene: KCNT1 (potassium sodium-activated channel subfamily T member 1; plus strand). Cytogenetic location: 9q34.3.
Variant type: single nucleotide variant.
Coding change: c.820C>T on transcript NM_020822.3 (MANE Select); coding-DNA position 820, C replaced by T.
Protein change: p.Leu274Phe; replaces leucine 274 with phenylalanine.
Molecular consequence: missense variant.
Genome position (GRCh38, 1-based): chr9:135,758,474, C>T. VCF-style: chr9-135758474-C-T. GRCh37 (hg19) VCF-style: chr9-138650320-C-T.
Other names: c.676C>T, p.Leu226Phe (NM_001272003.2); short protein forms L226F, L274F.
Identifiers: ClinVar variation 3897313 (VCV003897313.1).